The following is an entry in ClinVar:

ClinVar aggregate classification (germline): Likely benign. Review status: reviewed by expert panel (3 of 4 stars). 2 submissions from 2 submitters: Likely benign (1). 1 of the submissions does not count toward it. Last evaluated 2026-01-20.

Conditions:
Open-angle glaucoma. Identifiers: MedGen C0017612, MONDO:0005338, HP:0012108.
Inborn genetic diseases. Identifiers: MedGen C0950123, MeSH D030342.

Allele frequency attached by ClinVar (database versions not stated): ExAC 0.00005; TOPMed 0.00022; ESP Exome Variant Server 0.00038.
gnomAD v4.1: 61 of 1,609,338 alleles (0.0038%); highest among the groups gnomAD compares: African/African-American, 0.079%; no homozygotes.

Submissions (2):

ClinGen Glaucoma Variant Curation Expert Panel
Classification: Likely benign for Open-angle glaucoma. Last evaluated: 2026-01-20. Review status: reviewed by expert panel. Criteria: ClinGen Glaucoma ACMG Specifications V2.0.0 Approved. Collection method: curation. Allele origin: germline. Inheritance: Autosomal dominant inheritance.
Comment: The c.907C>A variant in MYOC is a missense variant predicted to cause substitution of Leucine by Isoleucine at amino acid 303 (p.Leu303Ile). The highest minor allele frequency of this variant was in the African/African American genetic ancestry group of gnomAD (v4.1.0) = 0.0007884 (59 alleles out of 74,836), which did not meet the PM2_Supporting allele frequency threshold (≤ 0.0001) or the BS1 allele frequency threshold (≥ 0.001). The REVEL score = 0.17, which was within the 0.017-0.183 range for BP4_Moderate, suggesting that the variant does not impact MYOC function. The Leu303Ile protein was assessed in an assay (PMID: 36579626), however, the results of this study were inconsistent and functional evidence was not included. Although a proband with primary open angle glaucoma had been reported carrying this variant, PM2_Supporting was not met, therefore PS4 did not apply. In summary, this variant met the criteria to receive a score of -2 and to be classified as likely benign (likely benign classification range -2 to -6, adapted from PMID: 32720330) for juvenile open angle glaucoma based on the ACMG/AMP criteria met, as specified by the ClinGen Glaucoma VCEP (v2.0.0, 5 Dec 2024): BP4_Moderate

Ambry Genetics
Classification: Uncertain significance for Inborn genetic diseases. Last evaluated: 2021-07-09. Review status: criteria provided, single submitter. Criteria: Ambry Variant Classification Scheme 2023. Collection method: clinical testing. Allele origin: germline. Not counted in ClinVar's aggregate classification.

NM_000261.2(MYOC):c.907C>A (p.Leu303Ile)

Gene: MYOC (myocilin; minus strand). Cytogenetic location: 1q24.3.
Variant type: single nucleotide variant.
Coding change: c.907C>A on transcript NM_000261.2 (MANE Select); coding-DNA position 907, C replaced by A.
Protein change: p.Leu303Ile; replaces leucine 303 with isoleucine.
Molecular consequence: missense variant.
Genome position (GRCh38, 1-based): chr1:171,636,533, G>T on the plus strand (C>A on the coding strand, the complement: MYOC is on the minus strand). VCF-style: chr1-171636533-G-T. GRCh37 (hg19) VCF-style: chr1-171605673-G-T.
Other names: NM_000261.2:c.907C>A; c.907C>A (NM_000261.1); short protein forms L303I.
Identifiers: ClinVar variation 1723173 (VCV001723173.5), dbSNP rs144469479, ClinGen allele CA1244122.